The following is an entry in ClinVar:

ClinVar aggregate classification (germline): Conflicting classifications of pathogenicity. Review status: criteria provided, conflicting classifications (1 of 4 stars). 2 submissions from 2 submitters: Uncertain significance (1); Likely benign (1). Last evaluated 2026-02-10.

Conditions:
Primary ciliary dyskinesia. Also called: Ciliary dyskinesia. Identifiers: Orphanet 244, MedGen C0008780, MONDO:0016575, HP:0012265.

Allele frequency attached by ClinVar (database versions not stated): gnomAD 0.00001.
gnomAD v4.1: 1 of 1,613,944 alleles (0.000062%); highest among the groups gnomAD compares: African/African-American, 0.0013%; no homozygotes.

Submissions (2):

Ambry Genetics
Classification: Likely benign for Primary ciliary dyskinesia. Last evaluated: 2026-02-10. Review status: criteria provided, single submitter. Criteria: Ambry Variant Classification Scheme 2023. Collection method: clinical testing. Allele origin: germline.

Labcorp Genetics (formerly Invitae), Labcorp
Classification: Uncertain significance for Primary ciliary dyskinesia. Last evaluated: 2025-05-28. Review status: criteria provided, single submitter. Criteria: Invitae Variant Classification Sherloc (09022015). Collection method: clinical testing. Allele origin: germline.
Comment: This sequence change replaces lysine, which is basic and polar, with glutamine, which is neutral and polar, at codon 310 of the DNAH5 protein (p.Lys310Gln). This variant is not present in population databases (gnomAD no frequency). This variant has not been reported in the literature in individuals affected with DNAH5-related conditions. ClinVar contains an entry for this variant (Variation ID: 1766435). Invitae Evidence Modeling of protein sequence and biophysical properties (such as structural, functional, and spatial information, amino acid conservation, physicochemical variation, residue mobility, and thermodynamic stability) indicates that this missense variant is not expected to disrupt DNAH5 protein function with a negative predictive value of 95%. In summary, the available evidence is currently insufficient to determine the role of this variant in disease. Therefore, it has been classified as a Variant of Uncertain Significance.

NM_001369.3(DNAH5):c.928A>C (p.Lys310Gln)

Gene: DNAH5 (dynein axonemal heavy chain 5; minus strand). Cytogenetic location: 5p15.2.
Variant type: single nucleotide variant.
Coding change: c.928A>C on transcript NM_001369.3 (MANE Select); coding-DNA position 928, A replaced by C.
Protein change: p.Lys310Gln; replaces lysine 310 with glutamine.
Molecular consequence: missense variant.
Genome position (GRCh38, 1-based): chr5:13,919,223, T>G on the plus strand (A>C on the coding strand, the complement: DNAH5 is on the minus strand). VCF-style: chr5-13919223-T-G. GRCh37 (hg19) VCF-style: chr5-13919332-T-G.
Other names: short protein forms K310Q.
Identifiers: ClinVar variation 1766435 (VCV001766435.4), dbSNP rs1776986431, ClinGen allele CA359218790.